The following is an entry in ClinVar:

NM_007103.4(NDUFV1):c.312G>T (p.Lys104Asn)

Gene: NDUFV1 (NADH:ubiquinone oxidoreductase core subunit V1; plus strand). Cytogenetic location: 11q13.2.
Variant type: single nucleotide variant.
Coding change: c.312G>T on transcript NM_007103.4 (MANE Select); coding-DNA position 312, G replaced by T.
Protein change: p.Lys104Asn; replaces lysine 104 with asparagine.
Molecular consequence: missense variant.
Genome position (GRCh38, 1-based): chr11:67,608,708, G>T. VCF-style: chr11-67608708-G-T. GRCh37 (hg19) VCF-style: chr11-67376179-G-T.
Other names: c.285G>T, p.Lys95Asn (NM_001166102.2); short protein forms K104N, K95N.
Identifiers: ClinVar variation 1031133 (VCV001031133.7), dbSNP rs768399541, ClinGen allele CA6143127.
Genomic context (GRCh38, chr11:67,608,708, plus strand): 5'-TTTGAGGGGCCGTGGAGGCGCTGGCTTCCCCACTGGCCTCAAGTGGAGCTTCATGAATAA[G>T]CCCTCAGATGGCAGGTGTGTGTGTGGGGGCGGGGCAGATGTGGCTGTGGGAGAGACCTTG-3'
Protein context (NP_009034.2, residues 94-114): PTGLKWSFMN[Lys104Asn]PSDGRPKYLV

ClinVar aggregate classification (germline): Uncertain significance. Review status: criteria provided, multiple submitters, no conflicts (2 of 4 stars). 3 submissions from 3 submitters: Uncertain significance (3). Last evaluated 2025-12-23.

Conditions:
Mitochondrial complex I deficiency, nuclear type 4. Also called: Mitochondrial complex 1 deficiency, nuclear type 4. Identifiers: MedGen C4748753, MONDO:0032609, OMIM 618225.

Allele frequency attached by ClinVar (database versions not stated): TOPMed 0.00002; gnomAD 0.00002.
gnomAD v4.1: 19 of 1,613,836 alleles (0.0012%); highest among the groups gnomAD compares: Non-Finnish European, 0.0016%; no homozygotes.

Submissions (3):

Dasa
Classification: Uncertain significance for Mitochondrial complex I deficiency, nuclear type 4. Last evaluated: 2025-12-23. Review status: criteria provided, single submitter. Criteria: DASA Assertion Criteria. Collection method: clinical testing. Allele origin: germline.
Comment: NM_007103.4(NDUFV1):c.312G>T (p.Lys104Asn) is a missense variant that results in the substitution of lysine with asparagine. This variant is rare in population databases. The currently available literature and clinical evidence are not sufficient to establish a definitive association between this variant and the reported condition. Therefore, this variant is classified as a variant of uncertain significance.

Labcorp Genetics (formerly Invitae), Labcorp
Classification: Uncertain significance. Last evaluated: 2025-01-27. Review status: criteria provided, single submitter. Criteria: Invitae Variant Classification Sherloc (09022015). Collection method: clinical testing. Allele origin: germline.
Comment: This sequence change replaces lysine, which is basic and polar, with asparagine, which is neutral and polar, at codon 104 of the NDUFV1 protein (p.Lys104Asn). This variant is present in population databases (rs768399541, gnomAD 0.004%). This variant has not been reported in the literature in individuals affected with NDUFV1-related conditions. ClinVar contains an entry for this variant (Variation ID: 1031133). Invitae Evidence Modeling of protein sequence and biophysical properties (such as structural, functional, and spatial information, amino acid conservation, physicochemical variation, residue mobility, and thermodynamic stability) has been performed for this missense variant. However, the output from this modeling did not meet the statistical confidence thresholds required to predict the impact of this variant on NDUFV1 protein function. In summary, the available evidence is currently insufficient to determine the role of this variant in disease. Therefore, it has been classified as a Variant of Uncertain Significance.

Baylor Genetics
Classification: Uncertain significance for Mitochondrial complex I deficiency, nuclear type 4. Last evaluated: 2020-01-23. Review status: criteria provided, single submitter. Criteria: ACMG Guidelines, 2015. Collection method: clinical testing. Allele origin: unknown. Affected: yes.
Comment: This variant was determined to be of uncertain significance according to ACMG Guidelines, 2015 [PMID:25741868].